The following is an entry in ClinVar:

ClinVar aggregate classification (germline): Likely benign. Review status: criteria provided, multiple submitters, no conflicts (2 of 4 stars). 3 submissions from 3 submitters: Likely benign (3). Last evaluated 2025-09-21.

Conditions:
Ehlers-Danlos syndrome, type 4 (EDSVASC). Also called: Ehlers-Danlos Syndrome Type IV; Ehlers-Danlos syndrome vascular type; Ehlers Danlos syndrome, ecchymotic type; Ehlers Danlos syndrome, arterial type; Ehlers Danlos syndrome, Sack-Barabas type. Identifiers: Orphanet 286, MedGen C0268338, MONDO:0017314, OMIM 130050.
Familial thoracic aortic aneurysm and aortic dissection (TAAD). Also called: Thoracic aortic aneurysms and dissections. Identifiers: Orphanet 91387, MedGen C4707243, MONDO:0019625.

Allele frequency attached by ClinVar (database versions not stated): TOPMed below 0.00001; ExAC 0.00002; gnomAD exomes 0.00002.
gnomAD v4.1: 27 of 1,575,972 alleles (0.0017%); highest among the groups gnomAD compares: Middle Eastern, 0.017%; no homozygotes.

Submissions (3):

Labcorp Genetics (formerly Invitae), Labcorp
Classification: Likely benign for Ehlers-Danlos syndrome, type 4. Last evaluated: 2025-09-21. Review status: criteria provided, single submitter. Criteria: Invitae Variant Classification Sherloc (09022015). Collection method: clinical testing. Allele origin: germline.

All of Us Research Program, National Institutes of Health
Classification: Likely benign for Ehlers-Danlos syndrome, type 4. Last evaluated: 2024-07-20. Review status: criteria provided, single submitter. Criteria: ACMG Guidelines, 2015. Collection method: clinical testing. Allele origin: germline. Inheritance: Autosomal dominant inheritance. Observed: 2 variant alleles, 2 heterozygotes.
Comment: This study involves interpretation of variants in research participants for the purpose of population health screening. Participant phenotype was not available at the time of variant classification. Additional details can be found in publication PMID: 35346344, PMCID: PMC8962531

Color Diagnostics, LLC DBA Color Health
Classification: Likely benign for Familial thoracic aortic aneurysm and aortic dissection. Last evaluated: 2024-07-12. Review status: criteria provided, single submitter. Criteria: ACMG Guidelines, 2015. Collection method: clinical testing. Allele origin: germline.

NM_000090.4(COL3A1):c.583-14A>T

Gene: COL3A1 (collagen type III alpha 1 chain; plus strand). Cytogenetic location: 2q32.2.
Variant type: single nucleotide variant.
Coding change: c.583-14A>T on transcript NM_000090.4 (MANE Select); 14 bases into the intron before coding-DNA position 583, A replaced by T.
Molecular consequence: intron variant.
Genome position (GRCh38, 1-based): chr2:188,988,576, A>T. VCF-style: chr2-188988576-A-T. GRCh37 (hg19) VCF-style: chr2-189853302-A-T.
Identifiers: ClinVar variation 2722916 (VCV002722916.6), dbSNP rs758167432, ClinGen allele CA076720.
Genomic context (GRCh38, chr2:188,988,576, plus strand): 5'-CTTACTGTCAAGATGTAAATGAATTATATGAAGATTTTGTTACTTTAAAATTATTTACAT[A>T]TTCTACTCACTAGGGATCTCCAGGATACCAAGGACCCCCTGGTGAACCTGGGCAAGCTGG-3'